The following is an entry in ClinVar:

NM_024675.4(PALB2):c.3454C>T (p.Pro1152Ser)

Gene: PALB2 (partner and localizer of BRCA2; minus strand). Cytogenetic location: 16p12.2.
Variant type: single nucleotide variant.
Coding change: c.3454C>T on transcript NM_024675.4 (MANE Select); coding-DNA position 3454, C replaced by T.
Protein change: p.Pro1152Ser; replaces proline 1152 with serine.
Molecular consequence: missense variant. On other transcripts: 3 prime UTR variant (5).
Genome position (GRCh38, 1-based): chr16:23,603,566, G>A on the plus strand (C>T on the coding strand, the complement: PALB2 is on the minus strand). VCF-style: chr16-23603566-G-A. GRCh37 (hg19) VCF-style: chr16-23614887-G-A.
Other names: c.3394C>T, p.Pro1132Ser (NM_001407296.1); c.3382C>T, p.Pro1128Ser (NM_001407297.1); c.3292C>T, p.Pro1098Ser (NM_001407298.1); c.3217C>T, p.Pro1073Ser (NM_001407299.1); c.3175C>T, p.Pro1059Ser (NM_001407300.1); c.*89C>T (NM_001407301.1, NM_001407302.1, NM_001407310.1 and 2 more transcripts); c.2569C>T, p.Pro857Ser (NM_001407304.1, NM_001407305.1, NM_001407306.1); c.2407C>T, p.Pro803Ser (NM_001407307.1); and 3 more; short protein forms P1059S, P1098S, P1073S, P556S, P1132S, P330S, P803S, P1128S.
Identifiers: ClinVar variation 2453287 (VCV002453287.6), dbSNP rs2142253457, ClinGen allele CA395138088.

ClinVar aggregate classification (germline): Uncertain significance. Review status: criteria provided, multiple submitters, no conflicts (2 of 4 stars). 3 submissions from 3 submitters: Uncertain significance (3). Last evaluated 2025-02-06.

Conditions:
Familial cancer of breast. Also called: BREAST CANCER, FAMILIAL; Hereditary breast cancer; hereditary breast carcinoma. Identifiers: Orphanet 227535, MedGen C0346153, MONDO:0016419, OMIM 114480. Disease mechanism: loss of function.
Hereditary cancer-predisposing syndrome. Also called: Neoplastic Syndromes, Hereditary; Tumor predisposition; Hereditary neoplastic syndrome; Hereditary Cancer Syndrome. Identifiers: Orphanet 140162, MedGen C0027672, MeSH D009386, MONDO:0015356.

Allele frequency attached by ClinVar (database versions not stated): gnomAD exomes below 0.00001.
gnomAD v4.1: 7 of 1,614,092 alleles (0.00043%); highest among the groups gnomAD compares: Non-Finnish European, 0.00059%; no homozygotes.

Submissions (3):

Molecular Pathology, Peter Maccallum Cancer Centre
Classification: Uncertain significance for Familial cancer of breast. Last evaluated: 2025-02-06. Review status: criteria provided, single submitter. Criteria: ACMG Guidelines, 2015. Collection method: clinical testing. Allele origin: germline. Inheritance: Autosomal dominant inheritance.

Labcorp Genetics (formerly Invitae), Labcorp
Classification: Uncertain significance for Familial cancer of breast. Last evaluated: 2023-10-12. Review status: criteria provided, single submitter. Criteria: Invitae Variant Classification Sherloc (09022015). Collection method: clinical testing. Allele origin: germline.
Comment: This sequence change replaces proline, which is neutral and non-polar, with serine, which is neutral and polar, at codon 1152 of the PALB2 protein (p.Pro1152Ser). This variant is not present in population databases (gnomAD no frequency). This variant has not been reported in the literature in individuals affected with PALB2-related conditions. ClinVar contains an entry for this variant (Variation ID: 2453287). An algorithm developed to predict the effect of missense changes on protein structure and function (PolyPhen-2) suggests that this variant is likely to be disruptive. In summary, the available evidence is currently insufficient to determine the role of this variant in disease. Therefore, it has been classified as a Variant of Uncertain Significance.

Ambry Genetics
Classification: Uncertain significance for Hereditary cancer-predisposing syndrome. Last evaluated: 2022-12-06. Review status: criteria provided, single submitter. Criteria: Ambry Variant Classification Scheme 2023. Collection method: clinical testing. Allele origin: germline.
Comment: The p.P1152S variant (also known as c.3454C>T), located in coding exon 13 of the PALB2 gene, results from a C to T substitution at nucleotide position 3454. The proline at codon 1152 is replaced by serine, an amino acid with similar properties. This amino acid position is well conserved in available vertebrate species. In addition, this alteration is predicted to be tolerated by in silico analysis. Since supporting evidence is limited at this time, the clinical significance of this alteration remains unclear.